The following is an entry in ClinVar:

NM_001134407.3(GRIN2A):c.3609del (p.Ser1204fs)

Gene: GRIN2A (glutamate ionotropic receptor NMDA type subunit 2A; minus strand). Cytogenetic location: 16p13.2.
Variant type: Deletion.
Coding change: c.3609del on transcript NM_001134407.3 (MANE Select); coding-DNA position 3609, one base deleted (C; older notation c.3609delC).
Protein change: p.Ser1204fs; shifts the reading frame from serine 1204.
Molecular consequence: frameshift variant.
Genome position (GRCh38, 1-based): chr16:9,763,935, G deleted on the plus strand (C on the coding strand, the reverse complement: GRIN2A is on the minus strand); the first of 2 consecutive G bases (chr16:9,763,935-9,763,936); deleting either gives the same sequence. VCF-style (leftmost placement, unchanged base first): chr16-9763934-TG-T. GRCh37 (hg19) VCF-style: chr16-9857791-TG-T.
Other names: c.3609del, p.Ser1204fs (NM_000833.5, NM_001134408.2); short protein forms S1204fs.
Identifiers: ClinVar variation 1996705 (VCV001996705.4), dbSNP rs2505965079, ClinGen allele CA2580092123.

ClinVar aggregate classification (germline): Pathogenic (1 of 4 stars; one submission).

Conditions:
Landau-Kleffner syndrome (FESD). Also called: EPILEPSY, FOCAL, WITH SPEECH DISORDER AND WITH OR WITHOUT MENTAL RETARDATION; APHASIA, ACQUIRED, WITH EPILEPSY. Identifiers: Orphanet 1945, Orphanet 725, Orphanet 98818, MedGen C0282512, MONDO:0009509, OMIM 245570.

Submission:

Labcorp Genetics (formerly Invitae), Labcorp
Classification: Pathogenic for Landau-Kleffner syndrome. Last evaluated: 2022-05-20. Review status: criteria provided, single submitter. Criteria: Invitae Variant Classification Sherloc (09022015). Collection method: clinical testing. Allele origin: germline.
Comment: For these reasons, this variant has been classified as Pathogenic. This variant disrupts a region of the GRIN2A protein in which other variant(s) (p.Trp1271*) have been determined to be pathogenic (PMID: 29961510). This suggests that this is a clinically significant region of the protein, and that variants that disrupt it are likely to be disease-causing. This variant has not been reported in the literature in individuals affected with GRIN2A-related conditions. This variant is not present in population databases (gnomAD no frequency). This sequence change creates a premature translational stop signal (p.Ser1204Alafs*27) in the GRIN2A gene. While this is not anticipated to result in nonsense mediated decay, it is expected to disrupt the last 261 amino acid(s) of the GRIN2A protein.

Literature cited by the submitters: PubMed 29961510.